The following is an entry in ClinVar:

ClinVar aggregate classification (germline): Uncertain significance (1 of 4 stars; one submission).

Allele frequency attached by ClinVar (database versions not stated): TOPMed below 0.00001; gnomAD 0.00001.
gnomAD v4.1: 6 of 1,612,246 alleles (0.00037%); highest among the groups gnomAD compares: Non-Finnish European, 0.00034%; no homozygotes.

Submission:

Labcorp Genetics (formerly Invitae), Labcorp
Classification: Uncertain significance. Last evaluated: 2022-11-08. Review status: criteria provided, single submitter. Criteria: Invitae Variant Classification Sherloc (09022015). Collection method: clinical testing. Allele origin: germline.
Comment: This sequence change replaces alanine, which is neutral and non-polar, with valine, which is neutral and non-polar, at codon 517 of the CFH protein (p.Ala517Val). This variant is not present in population databases (gnomAD no frequency). This variant has not been reported in the literature in individuals affected with CFH-related conditions. Algorithms developed to predict the effect of missense changes on protein structure and function (SIFT, PolyPhen-2, Align-GVGD) all suggest that this variant is likely to be tolerated. In summary, the available evidence is currently insufficient to determine the role of this variant in disease. Therefore, it has been classified as a Variant of Uncertain Significance.

NM_000186.4(CFH):c.1550C>T (p.Ala517Val)

Gene: CFH (complement factor H; plus strand). Cytogenetic location: 1q31.3.
Variant type: single nucleotide variant.
Coding change: c.1550C>T on transcript NM_000186.4 (MANE Select); coding-DNA position 1550, C replaced by T.
Protein change: p.Ala517Val; replaces alanine 517 with valine.
Molecular consequence: missense variant.
Genome position (GRCh38, 1-based): chr1:196,715,623, C>T. VCF-style: chr1-196715623-C-T. GRCh37 (hg19) VCF-style: chr1-196684753-C-T.
Other names: short protein forms A517V.
Identifiers: ClinVar variation 2812680 (VCV002812680.3), dbSNP rs897349638, ClinGen allele CA35851861.
Genomic context (GRCh38, chr1:196,715,623, plus strand): 5'-AAATGACATTCTAAATTTTTTATGCACTAGAATCTTGTGATATCCCAGTATTTATGAATG[C>T]CAGAACTAAAAATGACTTCACATGGTTTAAGCTGAATGACACATTGGACTATGAATGCCA-3'
Protein context (NP_000177.2, residues 507-527): KSCDIPVFMN[Ala517Val]RTKNDFTWFK